The following is an entry in ClinVar:

NM_001040142.2(SCN2A):c.3559G>A (p.Glu1187Lys)

Gene: SCN2A (sodium voltage-gated channel alpha subunit 2; plus strand). Cytogenetic location: 2q24.3.
Variant type: single nucleotide variant.
Coding change: c.3559G>A on transcript NM_001040142.2 (MANE Select); coding-DNA position 3559, G replaced by A.
Protein change: p.Glu1187Lys; replaces glutamic acid 1187 with lysine.
Molecular consequence: missense variant.
Genome position (GRCh38, 1-based): chr2:165,367,255, G>A. VCF-style: chr2-165367255-G-A. GRCh37 (hg19) VCF-style: chr2-166223765-G-A.
Other names: c.3559G>A, p.Glu1187Lys (NM_001040143.2, NM_001371246.1, NM_001371247.1 and 1 more transcripts); short protein forms E1187K.
Identifiers: ClinVar variation 1810046 (VCV001810046.1), dbSNP rs1553590143, ClinGen allele CA349025872.

ClinVar aggregate classification (germline): Uncertain significance (1 of 4 stars; one submission).

Allele frequency attached by ClinVar (database versions not stated): gnomAD exomes below 0.00001.
gnomAD v4.1: 1 of 1,614,064 alleles (0.000062%); highest among the groups gnomAD compares: Non-Finnish European, 0.000085%; no homozygotes.

Submission:

GeneDx
Classification: Uncertain significance. Last evaluated: 2022-06-27. Review status: criteria provided, single submitter. Criteria: GeneDx Variant Classification Process June 2021. Collection method: clinical testing. Allele origin: germline. Affected: yes.
Comment: Not observed at significant frequency in large population cohorts (gnomAD); Missense variants in this gene are often considered pathogenic (HGMD); This substitution is predicted to be within the cytoplasmic loop between the second and third homologous domains; In silico analysis supports that this missense variant has a deleterious effect on protein structure/function; Has not been previously published as pathogenic or benign to our knowledge